The following is an entry in ClinVar:

ClinVar aggregate classification (germline): Uncertain significance (1 of 4 stars; one submission).

Conditions:
Gingival disorder. Also called: Gingival disease. Identifiers: MedGen C0017563, MONDO:0002021.

gnomAD v4.1: 24 of 1,614,022 alleles (0.0015%); highest among the groups gnomAD compares: South Asian, 0.0033%; no homozygotes.

Submission:

Labcorp Genetics (formerly Invitae), Labcorp
Classification: Uncertain significance for Gingival disorder. Last evaluated: 2025-06-06. Review status: criteria provided, single submitter. Criteria: Invitae Variant Classification Sherloc (09022015). Collection method: clinical testing. Allele origin: germline.
Comment: This sequence change replaces arginine, which is basic and polar, with tryptophan, which is neutral and slightly polar, at codon 309 of the FPR1 protein (p.Arg309Trp). This variant is present in population databases (rs762250607, gnomAD 0.004%). This variant has not been reported in the literature in individuals affected with FPR1-related conditions. An algorithm developed to predict the effect of missense changes on protein structure and function (PolyPhen-2) suggests that this variant is likely to be disruptive. In summary, the available evidence is currently insufficient to determine the role of this variant in disease. Therefore, it has been classified as a Variant of Uncertain Significance.

NM_002029.4(FPR1):c.925C>T (p.Arg309Trp)

Gene: FPR1 (formyl peptide receptor 1; minus strand). Cytogenetic location: 19q13.41.
Variant type: single nucleotide variant.
Coding change: c.925C>T on transcript NM_002029.4 (MANE Select); coding-DNA position 925, C replaced by T.
Protein change: p.Arg309Trp; replaces arginine 309 with tryptophan.
Molecular consequence: missense variant.
Genome position (GRCh38, 1-based): chr19:51,746,070, G>A on the plus strand (C>T on the coding strand, the complement: FPR1 is on the minus strand). VCF-style: chr19-51746070-G-A. GRCh37 (hg19) VCF-style: chr19-52249323-G-A.
Other names: c.925C>T, p.Arg309Trp (NM_001193306.2); short protein forms R309W.
Identifiers: ClinVar variation 4748878 (VCV004748878.1).
Genomic context (GRCh38, chr19:51,746,070, plus strand): 5'-TTGAGTCCTCGGTCAGGGCCCTCTCCAGACTGGCGGGAAGGGCGTGGATCAGCCTCTCCC[G>A]GAAGTCCTGGCCCATGAAGACATAGAGCATGGGGTTGAGGCAGCTGTTGAAGAAGGCCAG-3'
Protein context (NP_002020.1, residues 299-319): MLYVFMGQDF[Arg309Trp]ERLIHALPAS